The following is an entry in ClinVar:

NM_001371727.1(GABRB2):c.857C>G (p.Thr286Ser)

Gene: GABRB2 (gamma-aminobutyric acid type A receptor subunit beta2; minus strand). Cytogenetic location: 5q34.
Variant type: single nucleotide variant.
Coding change: c.857C>G on transcript NM_001371727.1 (MANE Select); coding-DNA position 857, C replaced by G.
Protein change: p.Thr286Ser; replaces threonine 286 with serine.
Molecular consequence: missense variant.
Genome position (GRCh38, 1-based): chr5:161,331,103, G>C on the plus strand (C>G on the coding strand, the complement: GABRB2 is on the minus strand). VCF-style: chr5-161331103-G-C. GRCh37 (hg19) VCF-style: chr5-160758110-G-C.
Other names: c.857C>G, p.Thr286Ser (NM_000813.3, NM_021911.3); short protein forms T286S.
Identifiers: ClinVar variation 3635563 (VCV003635563.2).

ClinVar aggregate classification (germline): Likely pathogenic (1 of 4 stars; one submission).

Conditions:
Intellectual disability. Also called: Intellectual functioning disability; intellectual disabilities; Intellectual developmental disorder. Identifiers: MedGen C3714756, MeSH D008607, MONDO:0001071, HP:0001249.

Submission:

Labcorp Genetics (formerly Invitae), Labcorp
Classification: Likely pathogenic for Intellectual disability. Last evaluated: 2024-05-20. Review status: criteria provided, single submitter. Criteria: Invitae Variant Classification Sherloc (09022015). Collection method: clinical testing. Allele origin: germline.
Comment: This sequence change replaces threonine, which is neutral and polar, with serine, which is neutral and polar, at codon 286 of the GABRB2 protein (p.Thr286Ser). This variant is not present in population databases (gnomAD no frequency). This missense change has been observed in individual(s) with clinical features of GABRB2-related conditions (Invitae). In at least one individual the variant was observed to be de novo. Advanced modeling of protein sequence and biophysical properties (such as structural, functional, and spatial information, amino acid conservation, physicochemical variation, residue mobility, and thermodynamic stability) has been performed at Invitae for this missense variant, however the output from this modeling did not meet the statistical confidence thresholds required to predict the impact of this variant on GABRB2 protein function. In summary, the currently available evidence indicates that the variant is pathogenic, but additional data are needed to prove that conclusively. Therefore, this variant has been classified as Likely Pathogenic.